The following is an entry in ClinVar:

NM_001329556.3(REEP6):c.548G>A (p.Gly183Asp)

Gene: REEP6 (receptor accessory protein 6; plus strand). Cytogenetic location: 19p13.3.
Variant type: single nucleotide variant.
Coding change: c.548G>A on transcript NM_001329556.3 (MANE Plus Clinical); coding-DNA position 548, G replaced by A.
Protein change: p.Gly183Asp; replaces glycine 183 with aspartic acid.
Molecular consequence: missense variant. On other transcripts: intron variant (1).
Genome position (GRCh38, 1-based): chr19:1,496,621, G>A. VCF-style: chr19-1496621-G-A. GRCh37 (hg19) VCF-style: chr19-1496620-G-A.
Other names: c.517+168G>A (NM_138393.4); short protein forms G183D.
Identifiers: ClinVar variation 1061064 (VCV001061064.4), dbSNP rs1228055760, ClinGen allele CA783576635.

ClinVar aggregate classification (germline): Uncertain significance (1 of 4 stars; one submission).

Allele frequency attached by ClinVar (database versions not stated): TOPMed below 0.00001.

Submission:

Labcorp Genetics (formerly Invitae), Labcorp
Classification: Uncertain significance. Last evaluated: 2020-09-15. Review status: criteria provided, single submitter. Criteria: Invitae Variant Classification Sherloc (09022015). Collection method: clinical testing. Allele origin: germline.
Comment: This sequence change replaces glycine with aspartic acid at codon 183 of the REEP6 protein (p.Gly183Asp). The glycine residue is weakly conserved and there is a moderate physicochemical difference between glycine and aspartic acid. The frequency data for this variant in the population databases is considered unreliable, as metrics indicate insufficient coverage at this position in the ExAC database. This variant has not been reported in the literature in individuals with REEP6-related conditions. Experimental studies and prediction algorithms are not available or were not evaluated, and the functional significance of this variant is currently unknown. In summary, the available evidence is currently insufficient to determine the role of this variant in disease. Therefore, it has been classified as a Variant of Uncertain Significance.